The following is an entry in ClinVar:

ClinVar aggregate classification (germline): Uncertain significance. Review status: criteria provided, multiple submitters, no conflicts (2 of 4 stars). 2 submissions from 2 submitters: Uncertain significance (2). Last evaluated 2026-05-14.

Conditions:
Inborn genetic diseases. Identifiers: MedGen C0950123, MeSH D030342.
Fanconi anemia (FA). Also called: Fanconi's anemia. Identifiers: Orphanet 84, MedGen C0015625, MeSH D005199, MONDO:0019391.

gnomAD v4.1: 1 of 1,613,366 alleles (0.000062%); highest among the groups gnomAD compares: East Asian, 0.0022%; no homozygotes.

Submissions (2):

Ambry Genetics
Classification: Uncertain significance for Inborn genetic diseases. Last evaluated: 2026-05-14. Review status: criteria provided, single submitter. Criteria: Ambry Variant Classification Scheme 2023. Collection method: clinical testing. Allele origin: germline.
Comment: The p.D1771E variant (also known as c.5313C>A), located in coding exon 20 of the FANCM gene, results from a C to A substitution at nucleotide position 5313. The aspartic acid at codon 1771 is replaced by glutamic acid, an amino acid with highly similar properties. This amino acid position is conserved. In addition, this alteration is predicted to be tolerated by in silico analysis. Based on the available evidence, the clinical significance of this variant remains unclear.

Labcorp Genetics (formerly Invitae), Labcorp
Classification: Uncertain significance for Fanconi anemia. Last evaluated: 2022-11-23. Review status: criteria provided, single submitter. Criteria: Invitae Variant Classification Sherloc (09022015). Collection method: clinical testing. Allele origin: germline.
Comment: In summary, the available evidence is currently insufficient to determine the role of this variant in disease. Therefore, it has been classified as a Variant of Uncertain Significance. Algorithms developed to predict the effect of missense changes on protein structure and function output the following: SIFT: "Tolerated"; PolyPhen-2: "Benign"; Align-GVGD: "Class C0". The glutamic acid amino acid residue is found in multiple mammalian species, which suggests that this missense change does not adversely affect protein function. This variant has not been reported in the literature in individuals affected with FANCM-related conditions. This variant is present in population databases (no rsID available, gnomAD 0.006%). This sequence change replaces aspartic acid, which is acidic and polar, with glutamic acid, which is acidic and polar, at codon 1771 of the FANCM protein (p.Asp1771Glu).

NM_020937.4(FANCM):c.5313C>A (p.Asp1771Glu)

Gene: FANCM (FA complementation group M; plus strand). Cytogenetic location: 14q21.2.
Variant type: single nucleotide variant.
Coding change: c.5313C>A on transcript NM_020937.4 (MANE Select); coding-DNA position 5313, C replaced by A.
Protein change: p.Asp1771Glu; replaces aspartic acid 1771 with glutamic acid.
Molecular consequence: missense variant.
Genome position (GRCh38, 1-based): chr14:45,189,335, C>A. VCF-style: chr14-45189335-C-A. GRCh37 (hg19) VCF-style: chr14-45658538-C-A.
Other names: c.5235C>A, p.Asp1745Glu (NM_001308133.2); short protein forms D1745E, D1771E.
Identifiers: ClinVar variation 2010766 (VCV002010766.5), dbSNP rs1566783807, ClinGen allele CA389613295.